The following is an entry in ClinVar:

ClinVar aggregate classification (germline): Uncertain significance (1 of 4 stars; one submission).

Submission:

Labcorp Genetics (formerly Invitae), Labcorp
Classification: Uncertain significance. Last evaluated: 2024-02-27. Review status: criteria provided, single submitter. Criteria: Invitae Variant Classification Sherloc (09022015). Collection method: clinical testing. Allele origin: germline.
Comment: This sequence change replaces arginine, which is basic and polar, with methionine, which is neutral and non-polar, at codon 36 of the RORB protein (p.Arg36Met). This variant is not present in population databases (gnomAD no frequency). This variant has not been reported in the literature in individuals affected with RORB-related conditions. An algorithm developed to predict the effect of missense changes on protein structure and function (PolyPhen-2) suggests that this variant is likely to be disruptive. In summary, the available evidence is currently insufficient to determine the role of this variant in disease. Therefore, it has been classified as a Variant of Uncertain Significance.

NM_006914.4(RORB):c.107G>T (p.Arg36Met)

Gene: RORB (RAR related orphan receptor B; plus strand). Cytogenetic location: 9q21.13.
Variant type: single nucleotide variant.
Coding change: c.107G>T on transcript NM_006914.4 (MANE Select); coding-DNA position 107, G replaced by T.
Protein change: p.Arg36Met; replaces arginine 36 with methionine.
Molecular consequence: missense variant.
Genome position (GRCh38, 1-based): chr9:74,634,644, G>T. VCF-style: chr9-74634644-G-T. GRCh37 (hg19) VCF-style: chr9-77249560-G-T.
Other names: c.140G>T, p.Arg47Met (NM_001365023.1); short protein forms R47M, R36M.
Identifiers: ClinVar variation 2710627 (VCV002710627.3), dbSNP rs2489566711, ClinGen allele CA373772106.